The following is an entry in ClinVar:

NM_001005242.3(PKP2):c.2023T>C (p.Ser675Pro)

Gene: PKP2 (plakophilin 2; minus strand). Cytogenetic location: 12p11.21.
Variant type: single nucleotide variant.
Coding change: c.2023T>C on transcript NM_001005242.3 (MANE Select); coding-DNA position 2023, T replaced by C.
Protein change: p.Ser675Pro; replaces serine 675 with proline.
Molecular consequence: missense variant.
Genome position (GRCh38, 1-based): chr12:32,802,547, A>G on the plus strand (T>C on the coding strand, the complement: PKP2 is on the minus strand). VCF-style: chr12-32802547-A-G. GRCh37 (hg19) VCF-style: chr12-32955481-A-G.
Other names: c.2023T>C, p.Ser675Pro (NM_001407155.1); c.1858T>C, p.Ser620Pro (NM_001407156.1); c.1696T>C, p.Ser566Pro (NM_001407158.1, NM_001407159.1, NM_001407160.1); c.2155T>C, p.Ser719Pro (NM_004572.4); short protein forms S566P, S620P, S675P, S719P.
Identifiers: ClinVar variation 3387466 (VCV003387466.3).
Genomic context (GRCh38, chr12:32,802,547, plus strand): 5'-GCAGCATCTTTCGGGTGTGCTGCAGGCCACTTTCCTTCTGGACAACTGTCTGAGCCACTG[A>G]TGTCGGCATCTGTTTTGTGAGACATATCCTATAAGTGCTATTGTATTTGATTTCACGATA-3'
Protein context (NP_001005242.2, residues 665-685): LTAGSGPMPT[Ser675Pro]VAQTVVQKES

ClinVar aggregate classification (germline): Uncertain significance. Review status: criteria provided, multiple submitters, no conflicts (2 of 4 stars). 2 submissions from 2 submitters: Uncertain significance (2). Last evaluated 2026-09-11.

Conditions:
Arrhythmogenic right ventricular cardiomyopathy (ARVD). Also called: Cardiomyopathy, ARVC; Arrhythmogenic right ventricular dysplasia; Arrhythmogenic cardiomyopathy; Arrhythmogenic Right Ventricular Cardiomyopathy (ARVC). Identifiers: Orphanet 247, MedGen C0349788, MeSH D019571, MONDO:0016587. Disease mechanism: loss of function. Inheritance: Various modes of inheritance.
Cardiovascular phenotype. Identifiers: MedGen CN230736.

gnomAD v4.1: 2 of 1,613,910 alleles (0.00012%); highest among the groups gnomAD compares: African/African-American, 0.0027%; no homozygotes.

Submissions (2):

Ambry Genetics
Classification: Uncertain significance for Cardiovascular phenotype. Last evaluated: 2026-09-11. Review status: criteria provided, single submitter. Criteria: Ambry Variant Classification Scheme 2023. Collection method: clinical testing. Allele origin: germline.
Comment: The p.S719P variant (also known as c.2155T>C), located in coding exon 11 of the PKP2 gene, results from a T to C substitution at nucleotide position 2155. The serine at codon 719 is replaced by proline, an amino acid with similar properties. This amino acid position is conserved. In addition, this alteration is predicted to be tolerated by in silico analysis. Based on the available evidence, the clinical significance of this variant remains unclear.

All of Us Research Program, National Institutes of Health
Classification: Uncertain significance for Arrhythmogenic right ventricular cardiomyopathy. Last evaluated: 2024-07-20. Review status: criteria provided, single submitter. Criteria: ACMG Guidelines, 2015. Collection method: clinical testing. Allele origin: germline. Inheritance: Autosomal dominant inheritance. Observed: 1 variant allele, 1 heterozygote.
Comment: This missense variant replaces serine with proline at codon 719 of the PKP2 protein. Computational prediction suggests that this variant may not impact protein structure and function (internally defined REVEL score threshold <= 0.5, PMID: 27666373). To our knowledge, functional studies have not been reported for this variant. This variant has not been reported in individuals affected with PKP2-related disorders in the literature. This variant has not been identified in the general population by the Genome Aggregation Database (gnomAD). The available evidence is insufficient to determine the role of this variant in disease conclusively. Therefore, this variant is classified as a Variant of Uncertain Significance.

This study involves interpretation of variants in research participants for the purpose of population health screening. Participant phenotype was not available at the time of variant classification. Additional details can be found in publication PMID: 35346344, PMCID: PMC8962531